The following is an entry in ClinVar:

ClinVar aggregate classification (germline): Benign/Likely benign. Review status: criteria provided, multiple submitters, no conflicts (2 of 4 stars). 4 submissions from 4 submitters: Benign (2); Likely benign (2). Last evaluated 2026-01-20.

Conditions:
Hereditary cancer-predisposing syndrome. Also called: Tumor predisposition; Neoplastic Syndromes, Hereditary; Hereditary Cancer Syndrome; Hereditary neoplastic syndrome. Identifiers: Orphanet 140162, MedGen C0027672, MeSH D009386, MONDO:0015356.
Tuberous sclerosis 2 (TSC2). Identifiers: Orphanet 805, MedGen C1860707, MONDO:0013199, OMIM 613254.

Allele frequency attached by ClinVar (database versions not stated): ExAC 0.00001.

Submissions (4):

Labcorp Genetics (formerly Invitae), Labcorp
Classification: Likely benign for Tuberous sclerosis 2. Last evaluated: 2026-01-20. Review status: criteria provided, single submitter. Criteria: Invitae Variant Classification Sherloc (09022015). Collection method: clinical testing. Allele origin: germline.

Myriad Genetics, Inc.
Classification: Benign for Tuberous sclerosis 2. Last evaluated: 2025-05-19. Review status: criteria provided, single submitter. Criteria: Myriad Autosomal Dominant, Autosomal Recessive and X-Linked Classification Criteria (2023). Collection method: clinical testing. Allele origin: unknown.
Comment: This variant is considered benign. This variant is a silent/synonymous amino acid change and it is not expected to impact splicing.

Genome-Nilou Lab
Classification: Benign for Tuberous sclerosis 2. Last evaluated: 2021-11-07. Review status: criteria provided, single submitter. Criteria: ACMG Guidelines, 2015. Collection method: clinical testing. Allele origin: germline. Affected: no.

Ambry Genetics
Classification: Likely benign for Hereditary cancer-predisposing syndrome. Last evaluated: 2019-01-25. Review status: criteria provided, single submitter. Criteria: Ambry Variant Classification Scheme 2023. Collection method: clinical testing. Allele origin: germline.

NM_000548.5(TSC2):c.2290C>T (p.Leu764=)

Gene: TSC2 (TSC complex subunit 2; plus strand). Cytogenetic location: 16p13.3.
Variant type: single nucleotide variant.
Coding change: c.2290C>T on transcript NM_000548.5 (MANE Select); coding-DNA position 2290, C replaced by T.
Protein change: p.Leu764=; no amino-acid change (leucine 764 retained).
Molecular consequence: synonymous variant.
Genome position (GRCh38, 1-based): chr16:2,072,918, C>T. VCF-style: chr16-2072918-C-T. GRCh37 (hg19) VCF-style: chr16-2122919-C-T.
Other names: c.2290C>T, p.Leu764= (NM_001077183.3, NM_001114382.3, NM_001363528.2 and 3 more transcripts); c.2179C>T, p.Leu727= (NM_001318827.2); c.2143C>T, p.Leu715= (NM_001318829.2); c.1690C>T, p.Leu564= (NM_001318831.2); c.2323C>T, p.Leu775= (NM_001318832.2).
Identifiers: ClinVar variation 413709 (VCV000413709.19), dbSNP rs777614710, ClinGen allele CA038208.